The following is an entry in ClinVar:

NM_000719.7(CACNA1C):c.5138A>G (p.Asp1713Gly)

Genes: CACNA1C (calcium voltage-gated channel subunit alpha1 C; plus strand), CACNA1C-AS1 (CACNA1C antisense RNA 1; minus strand). Cytogenetic location: 12p13.33.
Variant type: single nucleotide variant.
Coding change: c.5138A>G on transcript NM_000719.7 (MANE Select); coding-DNA position 5138, A replaced by G.
Protein change: p.Asp1713Gly; replaces aspartic acid 1713 with glycine.
Molecular consequence: missense variant.
Genome position (GRCh38, 1-based): chr12:2,679,490, A>G. VCF-style: chr12-2679490-A-G. GRCh37 (hg19) VCF-style: chr12-2788656-A-G.
Other names: c.5282A>G, p.Asp1761Gly (NM_001129827.2, NM_199460.4); c.5261A>G, p.Asp1754Gly (NM_001129829.2); c.5138A>G, p.Asp1713Gly (NM_001129830.3, NM_001129840.2, NM_001129841.2 and 4 more transcripts); c.5222A>G, p.Asp1741Gly (NM_001129831.2); c.5198A>G, p.Asp1733Gly (NM_001129832.2); c.5195A>G, p.Asp1732Gly (NM_001129833.2, NM_001129834.2, NM_001129835.2); c.5189A>G, p.Asp1730Gly (NM_001129836.2); c.5162A>G, p.Asp1721Gly (NM_001129837.2, NM_001129838.2); and 3 more; short protein forms D1713G, D1761G, D1732G, D1741G, D1702G, D1710G, D1721G, D1730G.
Identifiers: ClinVar variation 449139 (VCV000449139.16), dbSNP rs769297492, ClinGen allele CA6389715.
Genomic context (GRCh38, chr12:2,679,490, plus strand): 5'-CTTCTTGCCTACAGAGGGCCGGTGGCCTGTTCGGCAACCACGTCAGCTACTACCAAAGCG[A>G]CGGCCGGAGCGCCTTCCCCCAGACCTTCACCACTCAGCGCCCGCTGCACATCAACAAGGC-3'
Protein context (NP_000710.5, residues 1703-1723): FGNHVSYYQS[Asp1713Gly]GRSAFPQTFT

ClinVar aggregate classification (germline): Conflicting classifications of pathogenicity. Review status: criteria provided, conflicting classifications (1 of 4 stars). 4 submissions from 4 submitters: Uncertain significance (2); Likely benign (2). Last evaluated 2025-10-29.

Conditions:
Cardiovascular phenotype. Identifiers: MedGen CN230736.
Long QT syndrome (LQTS). Identifiers: MedGen C0023976, MeSH D008133, MONDO:0002442. Disease mechanism: loss of function. Inheritance: Various modes of inheritance.

Allele frequency attached by ClinVar (database versions not stated): gnomAD exomes 0.00001 and 0.00003; ExAC 0.00004; gnomAD 0.00008 and 0.00009; TOPMed 0.00008.
gnomAD v4.1: 29 of 1,605,186 alleles (0.0018%); highest among the groups gnomAD compares: African/African-American, 0.029%; no homozygotes.

Submissions (4):

Labcorp Genetics (formerly Invitae), Labcorp
Classification: Likely benign for Long QT syndrome. Last evaluated: 2025-10-29. Review status: criteria provided, single submitter. Criteria: Invitae Variant Classification Sherloc (09022015). Collection method: clinical testing. Allele origin: germline.

GeneDx
Classification: Uncertain significance. Last evaluated: 2025-06-04. Review status: criteria provided, single submitter. Criteria: GeneDx Variant Classification Process June 2021. Collection method: clinical testing. Allele origin: germline. Affected: yes.
Comment: Has not been previously published as pathogenic or benign to our knowledge; In silico analysis supports that this missense variant has a deleterious effect on protein structure/function

Women's Health and Genetics/Laboratory Corporation of America, LabCorp
Classification: Uncertain significance. Last evaluated: 2024-08-27. Review status: criteria provided, single submitter. Criteria: LabCorp Variant Classification Summary - May 2015. Collection method: clinical testing. Allele origin: germline.

Ambry Genetics
Classification: Likely benign for Cardiovascular phenotype. Last evaluated: 2023-09-19. Review status: criteria provided, single submitter. Criteria: Ambry Variant Classification Scheme 2023. Collection method: clinical testing. Allele origin: germline.